The following is an entry in ClinVar:

ClinVar aggregate classification (germline): Uncertain significance. Review status: criteria provided, multiple submitters, no conflicts (2 of 4 stars). 2 submissions from 2 submitters: Uncertain significance (2). Last evaluated 2024-01-29.

Conditions:
Myoglobinuria, acute recurrent, autosomal recessive. Also called: Myoglobinuria, recurrent, autosomal recessive; RHABDOMYOLYSIS, ACUTE RECURRENT; MYOGLOBINURIA, FAMILIAL PAROXYSMAL PARALYTIC. Identifiers: Orphanet 99845, MedGen C1849386, MONDO:0009992, OMIM 268200.

Allele frequency attached by ClinVar (database versions not stated): gnomAD exomes 0.00001; TOPMed 0.00004; gnomAD 0.00007.
gnomAD v4.1: 17 of 1,606,218 alleles (0.0011%); highest among the groups gnomAD compares: African/African-American, 0.016%; no homozygotes.

Submissions (2):

Fulgent Genetics
Classification: Uncertain significance for Myoglobinuria, acute recurrent, autosomal recessive. Last evaluated: 2024-01-29. Review status: criteria provided, single submitter. Criteria: ACMG Guidelines, 2015. Collection method: clinical testing. Allele origin: germline.

Labcorp Genetics (formerly Invitae), Labcorp
Classification: Uncertain significance. Last evaluated: 2022-08-20. Review status: criteria provided, single submitter. Criteria: Invitae Variant Classification Sherloc (09022015). Collection method: clinical testing. Allele origin: germline.
Comment: This sequence change replaces isoleucine, which is neutral and non-polar, with valine, which is neutral and non-polar, at codon 67 of the LPIN1 protein (p.Ile67Val). This variant is present in population databases (no rsID available, gnomAD 0.01%). This variant has not been reported in the literature in individuals affected with LPIN1-related conditions. Algorithms developed to predict the effect of missense changes on protein structure and function (SIFT, PolyPhen-2, Align-GVGD) all suggest that this variant is likely to be tolerated. In summary, the available evidence is currently insufficient to determine the role of this variant in disease. Therefore, it has been classified as a Variant of Uncertain Significance.

NM_001349206.2(LPIN1):c.199A>G (p.Ile67Val)

Gene: LPIN1 (lipin 1; plus strand). Cytogenetic location: 2p25.1.
Variant type: single nucleotide variant.
Coding change: c.199A>G on transcript NM_001349206.2 (MANE Select); coding-DNA position 199, A replaced by G.
Protein change: p.Ile67Val; replaces isoleucine 67 with valine.
Molecular consequence: missense variant. On other transcripts: non-coding transcript variant (1).
Genome position (GRCh38, 1-based): chr2:11,767,769, A>G. VCF-style: chr2-11767769-A-G. GRCh37 (hg19) VCF-style: chr2-11907895-A-G.
Other names: c.217A>G, p.Ile73Val (NM_001261427.3); c.346A>G, p.Ile116Val (NM_001261428.3, NM_001349208.2); c.199A>G, p.Ile67Val (NM_001349199.2, NM_001349200.2, NM_001349201.2 and 5 more transcripts); c.289A>G, p.Ile97Val (NM_001349207.2); short protein forms I116V, I67V, I73V, I97V.
Identifiers: ClinVar variation 1950576 (VCV001950576.3), dbSNP rs1394823879, ClinGen allele CA345852063.
Genomic context (GRCh38, chr2:11,767,769, plus strand): 5'-CTCCTGTCCTGGTGAAGGCAGTTCATTCTTTTCTTAACCATGTTTTCCCTTCAGGTTGAC[A>G]TAGAAATCAATGGGGAATCTGTGGATTTGCATATGAAATTGGGAGATAATGGAGAAGCAT-3'
Protein context (NP_001336135.1, residues 57-77): VLRSREKVVD[Ile67Val]EINGESVDLH